The following is an entry in ClinVar:

NM_032119.4(ADGRV1):c.15118G>A (p.Val5040Ile)

Gene: ADGRV1 (adhesion G protein-coupled receptor V1; plus strand). Cytogenetic location: 5q14.3.
Variant type: single nucleotide variant.
Coding change: c.15118G>A on transcript NM_032119.4 (MANE Select); coding-DNA position 15118, G replaced by A.
Protein change: p.Val5040Ile; replaces valine 5040 with isoleucine.
Molecular consequence: missense variant. On other transcripts: non-coding transcript variant (1).
Genome position (GRCh38, 1-based): chr5:90,810,378, G>A. VCF-style: chr5-90810378-G-A. GRCh37 (hg19) VCF-style: chr5-90106195-G-A.
Other names: c.15118G>A (NM_032119.3); short protein forms V5040I.
Identifiers: ClinVar variation 1353324 (VCV001353324.6), dbSNP rs1177397282, ClinGen allele CA360407712.
Genomic context (GRCh38, chr5:90,810,378, plus strand): 5'-ACACAGATGATCAGATTACATGTACAAAGACTATTTGGGTTCCACAGCGATCTTATTAAA[G>A]TTTCTTATCAGACCACTGCAGGAAGCGCCAAGCCACTGGAAGATTTTGAGCCTGTTCAGA-3'
Protein context (NP_115495.3, residues 5030-5050): LFGFHSDLIK[Val5040Ile]SYQTTAGSAK

ClinVar aggregate classification (germline): Uncertain significance. Review status: criteria provided, multiple submitters, no conflicts (2 of 4 stars). 2 submissions from 2 submitters: Uncertain significance (2). Last evaluated 2025-08-14.

Conditions:
Inborn genetic diseases. Identifiers: MedGen C0950123, MeSH D030342.

Allele frequency attached by ClinVar (database versions not stated): gnomAD 0.00001; gnomAD exomes 0.00001.
gnomAD v4.1: 13 of 1,613,472 alleles (0.00081%); highest among the groups gnomAD compares: Admixed American, 0.0017%; no homozygotes.

Submissions (2):

Ambry Genetics
Classification: Uncertain significance for Inborn genetic diseases. Last evaluated: 2025-08-14. Review status: criteria provided, single submitter. Criteria: Ambry Variant Classification Scheme 2023. Collection method: clinical testing. Allele origin: germline.

Labcorp Genetics (formerly Invitae), Labcorp
Classification: Uncertain significance. Last evaluated: 2022-10-12. Review status: criteria provided, single submitter. Criteria: Invitae Variant Classification Sherloc (09022015). Collection method: clinical testing. Allele origin: germline.
Comment: This sequence change replaces valine, which is neutral and non-polar, with isoleucine, which is neutral and non-polar, at codon 5040 of the ADGRV1 protein (p.Val5040Ile). The frequency data for this variant in the population databases is considered unreliable, as metrics indicate poor data quality at this position in the gnomAD database. This variant has not been reported in the literature in individuals affected with ADGRV1-related conditions. ClinVar contains an entry for this variant (Variation ID: 1353324). Advanced modeling of protein sequence and biophysical properties (such as structural, functional, and spatial information, amino acid conservation, physicochemical variation, residue mobility, and thermodynamic stability) performed at Invitae indicates that this missense variant is not expected to disrupt ADGRV1 protein function. In summary, the available evidence is currently insufficient to determine the role of this variant in disease. Therefore, it has been classified as a Variant of Uncertain Significance.